The following is an entry in ClinVar:

ClinVar aggregate classification (germline): Benign/Likely benign. Review status: criteria provided, multiple submitters, no conflicts (2 of 4 stars). 4 submissions from 4 submitters: Benign (1); Likely benign (2). 1 of the submissions does not count toward it. Last evaluated 2025-12-30.

Conditions:
GFI1-related disorder. Also called: GFI1-related condition.
Neutropenia, severe congenital, 2, autosomal dominant. Identifiers: Orphanet 486, MedGen C2751288, MONDO:0013139, OMIM 613107.

Allele frequency attached by ClinVar (database versions not stated): gnomAD 0.00002; gnomAD exomes 0.00007 and 0.00035; TOPMed 0.00012; ExAC 0.00041.
gnomAD v4.1: 112 of 1,613,998 alleles (0.0069%); highest among the groups gnomAD compares: Admixed American, 0.15%; 2 homozygotes.

Submissions (4):

Labcorp Genetics (formerly Invitae), Labcorp
Classification: Benign for Neutropenia, severe congenital, 2, autosomal dominant. Last evaluated: 2025-12-30. Review status: criteria provided, single submitter. Criteria: Invitae Variant Classification Sherloc (09022015). Collection method: clinical testing. Allele origin: germline.

Ambry Genetics
Classification: Likely benign. Last evaluated: 2024-11-23. Review status: criteria provided, single submitter. Criteria: Ambry Variant Classification Scheme 2023. Collection method: clinical testing. Allele origin: germline.

Blueprint Genetics
Classification: Likely benign. Last evaluated: 2021-02-26. Review status: criteria provided, single submitter. Criteria: ACMG Guidelines, 2015. Collection method: clinical testing. Allele origin: germline.

PreventionGenetics, part of Exact Sciences
Classification: Likely benign for GFI1-related condition. Last evaluated: 2024-05-21. Review status: no assertion criteria provided. Collection method: clinical testing. Allele origin: germline. Not counted in ClinVar's aggregate classification.
Comment: This variant is classified as likely benign based on ACMG/AMP sequence variant interpretation guidelines (Richards et al. 2015 PMID: 25741868, with internal and published modifications).

NM_005263.5(GFI1):c.1239G>A (p.Arg413=)

Gene: GFI1 (growth factor independent 1 transcriptional repressor; minus strand). Cytogenetic location: 1p22.1.
Variant type: single nucleotide variant.
Coding change: c.1239G>A on transcript NM_005263.5 (MANE Select); coding-DNA position 1239, G replaced by A.
Protein change: p.Arg413=; no amino-acid change (arginine 413 retained).
Molecular consequence: synonymous variant.
Genome position (GRCh38, 1-based): chr1:92,476,059, C>T on the plus strand (G>A on the coding strand, the complement: GFI1 is on the minus strand). VCF-style: chr1-92476059-C-T. GRCh37 (hg19) VCF-style: chr1-92941616-C-T.
Other names: c.1239G>A, p.Arg413= (NM_001127215.3, NM_001127216.3).
Identifiers: ClinVar variation 759202 (VCV000759202.13), dbSNP rs769776057, ClinGen allele CA951221.